The following is an entry in ClinVar:

ClinVar aggregate classification (germline): Uncertain significance (1 of 4 stars; one submission).

Conditions:
Hereditary cancer-predisposing syndrome. Also called: Neoplastic Syndromes, Hereditary; Tumor predisposition; Hereditary Cancer Syndrome; Hereditary neoplastic syndrome. Identifiers: Orphanet 140162, MedGen C0027672, MeSH D009386, MONDO:0015356.

Submission:

Ambry Genetics
Classification: Uncertain significance for Hereditary cancer-predisposing syndrome. Last evaluated: 2022-02-02. Review status: criteria provided, single submitter. Criteria: Ambry Variant Classification Scheme 2023. Collection method: clinical testing. Allele origin: germline.
Comment: The p.G423V variant (also known as c.1268G>T), located in coding exon 7 of the RET gene, results from a G to T substitution at nucleotide position 1268. The glycine at codon 423 is replaced by valine, an amino acid with dissimilar properties. This amino acid position is conserved. In addition, this alteration is predicted to be deleterious by in silico analysis. Since supporting evidence is limited at this time, the clinical significance of this alteration remains unclear.

NM_020975.6(RET):c.1268G>T (p.Gly423Val)

Gene: RET (ret proto-oncogene; plus strand). Cytogenetic location: 10q11.21.
Variant type: single nucleotide variant.
Coding change: c.1268G>T on transcript NM_020975.6 (MANE Select); coding-DNA position 1268, G replaced by T.
Protein change: p.Gly423Val; replaces glycine 423 with valine.
Molecular consequence: missense variant.
Genome position (GRCh38, 1-based): chr10:43,111,211, G>T. VCF-style: chr10-43111211-G-T. GRCh37 (hg19) VCF-style: chr10-43606659-G-T.
Other names: c.1268G>T, p.Gly423Val (NM_000323.2, NM_001406743.1, NM_001406744.1 and 6 more transcripts); c.506G>T, p.Gly169Val (NM_001355216.2); c.1139G>T, p.Gly380Val (NM_001406761.1, NM_001406762.1, NM_001406764.1 and 1 more transcripts); c.980G>T, p.Gly327Val (NM_001406766.1, NM_001406767.1, NM_001406770.1); c.872G>T, p.Gly291Val (NM_001406769.1, NM_001406772.1); c.830G>T, p.Gly277Val (NM_001406771.1, NM_001406773.1); c.743G>T, p.Gly248Val (NM_001406774.1); c.542G>T, p.Gly181Val (NM_001406775.1, NM_001406776.1, NM_001406777.1 and 1 more transcripts); and 1 more; short protein forms G181V, G327V, G380V, G93V, G169V, G423V, G248V, G277V.
Identifiers: ClinVar variation 1764655 (VCV001764655.2), dbSNP rs2132765668, ClinGen allele CA376548829.